The following is an entry in ClinVar:

ClinVar aggregate classification (germline): Uncertain significance (1 of 4 stars; one submission).

Conditions:
Cardiovascular phenotype. Identifiers: MedGen CN230736.

gnomAD v4.1: 1 of 1,613,968 alleles (0.000062%); no homozygotes.

Submission:

Ambry Genetics
Classification: Uncertain significance for Cardiovascular phenotype. Last evaluated: 2026-01-21. Review status: criteria provided, single submitter. Criteria: Ambry Variant Classification Scheme 2023. Collection method: clinical testing. Allele origin: germline.
Comment: The p.K347N variant (also known as c.1041G>T), located in coding exon 8 of the ENG gene, results from a G to T substitution at nucleotide position 1041. The lysine at codon 347 is replaced by asparagine, an amino acid with similar properties. This amino acid position is conserved. In addition, this alteration is predicted to be tolerated by in silico analysis. Based on the available evidence, the clinical significance of this variant remains unclear.

NM_001114753.3(ENG):c.1041G>T (p.Lys347Asn)

Gene: ENG (endoglin; minus strand). Cytogenetic location: 9q34.11.
Variant type: single nucleotide variant.
Coding change: c.1041G>T on transcript NM_001114753.3 (MANE Select); coding-DNA position 1041, G replaced by T.
Protein change: p.Lys347Asn; replaces lysine 347 with asparagine.
Molecular consequence: missense variant.
Genome position (GRCh38, 1-based): chr9:127,824,397, C>A on the plus strand (G>T on the coding strand, the complement: ENG is on the minus strand). VCF-style: chr9-127824397-C-A. GRCh37 (hg19) VCF-style: chr9-130586676-C-A.
Other names: c.495G>T, p.Lys165Asn (NM_001278138.2); c.1041G>T, p.Lys347Asn (NM_001406715.1, NM_000118.4); short protein forms K165N, K347N.
Identifiers: ClinVar variation 4824975 (VCV004824975.1).
Genomic context (GRCh38, chr9:127,824,397, plus strand): 5'-GGCGTCGTCGGCACACTTTGTCTGGATCAAGGACATGAGCAGCTCCGGGCTACAAGTGTC[C>A]TTGGGAGGAGTGGTCTGGATCGGTGCGGGTGAGGTCTGCAGCCTACCACCTGTGGGGTAG-3'
Protein context (NP_001108225.1, residues 337-357): SPAPIQTTPP[Lys347Asn]DTCSPELLMS